The following is an entry in ClinVar:

NM_000384.3(APOB):c.9004C>G (p.Leu3002Val)

Gene: APOB (apolipoprotein B; minus strand). Cytogenetic location: 2p24.1.
Variant type: single nucleotide variant.
Coding change: c.9004C>G on transcript NM_000384.3 (MANE Select); coding-DNA position 9004, C replaced by G.
Protein change: p.Leu3002Val; replaces leucine 3002 with valine.
Molecular consequence: missense variant.
Genome position (GRCh38, 1-based): chr2:21,007,864, G>C on the plus strand (C>G on the coding strand, the complement: APOB is on the minus strand). VCF-style: chr2-21007864-G-C. GRCh37 (hg19) VCF-style: chr2-21230736-G-C.
Other names: short protein forms L3002V.
Identifiers: ClinVar variation 2940601 (VCV002940601.3), dbSNP rs12713600, ClinGen allele CA345992644.
Genomic context (GRCh38, chr2:21,007,864, plus strand): 5'-CATGCCTCCCAGTAAACTCTGCCTTCCCTTCTCCAAACAGTGCCATGCCTTTAGCAGTTA[G>C]AACACTGTGGCCCACATGCTGGGAATCGACTTGTGATTGAATTTCAAGTTTAGAAAAGTT-3'
Protein context (NP_000375.3, residues 2992-3012): VDSQHVGHSV[Leu3002Val]TAKGMALFGE

ClinVar aggregate classification (germline): Uncertain significance (1 of 4 stars; one submission).

Conditions:
Familial hypobetalipoproteinemia 1. Also called: APOB-Related Familial Hypobetalipoproteinemia; Hypobetalipoproteinemia, normotriglyceridemic; Acanthocytosis with hypobetalipoproteinemia. Identifiers: MedGen C4551990, MONDO:0014252, OMIM 615558.
Hypercholesterolemia, autosomal dominant, type B (FHCL2). Also called: Familial Hypercholesterolemia Type B; APOLIPOPROTEIN B-100, FAMILIAL DEFECTIVE; APOLIPOPROTEIN B-100, FAMILIAL LIGAND-DEFECTIVE; HYPERCHOLESTEROLEMIA, FAMILIAL, DUE TO LIGAND-DEFECTIVE APOLIPOPROTEIN B; Hyperlipoproteinemia Type IIb; Familial hypercholesterolemia 2. Identifiers: MedGen C1704417, MONDO:0007751, OMIM 144010.

gnomAD v4.1: 4 of 1,614,000 alleles (0.00025%); highest among the groups gnomAD compares: Non-Finnish European, 0.00034%; no homozygotes.

Submission:

Labcorp Genetics (formerly Invitae), Labcorp
Classification: Uncertain significance for Familial hypobetalipoproteinemia 1; Hypercholesterolemia, autosomal dominant, type B. Last evaluated: 2023-10-09. Review status: criteria provided, single submitter. Criteria: Invitae Variant Classification Sherloc (09022015). Collection method: clinical testing. Allele origin: germline.
Comment: This sequence change replaces leucine, which is neutral and non-polar, with valine, which is neutral and non-polar, at codon 3002 of the APOB protein (p.Leu3002Val). This variant is not present in population databases (gnomAD no frequency). This variant has not been reported in the literature in individuals affected with APOB-related conditions. Advanced modeling of protein sequence and biophysical properties (such as structural, functional, and spatial information, amino acid conservation, physicochemical variation, residue mobility, and thermodynamic stability) performed at Invitae indicates that this missense variant is not expected to disrupt APOB protein function. In summary, the available evidence is currently insufficient to determine the role of this variant in disease. Therefore, it has been classified as a Variant of Uncertain Significance.